The following is an entry in ClinVar:

NM_006306.4(SMC1A):c.907G>T (p.Glu303Ter)

Gene: SMC1A (structural maintenance of chromosomes 1A; minus strand). Cytogenetic location: Xp11.22.
Variant type: single nucleotide variant.
Coding change: c.907G>T on transcript NM_006306.4 (MANE Select); coding-DNA position 907, G replaced by T.
Protein change: p.Glu303Ter; replaces glutamic acid 303 with a stop codon.
Molecular consequence: nonsense.
Genome position (GRCh38, 1-based): chrX:53,412,201, C>A on the plus strand (G>T on the coding strand, the complement: SMC1A is on the minus strand). VCF-style: chrX-53412201-C-A. GRCh37 (hg19) VCF-style: chrX-53439151-C-A.
Other names: c.841G>T, p.Glu281Ter (NM_001281463.1); short protein forms E281*, E303*.
Identifiers: ClinVar variation 3661527 (VCV003661527.2).
Genomic context (GRCh38, chrX:53,412,201, plus strand): 5'-GAGCATTCTGCAGAGACTTCTTGGCTGCTTCCAGCTTCTTGATTTTGTGGGAGGTGTTCT[C>A]CTTGGCTTTGATGTACTGAGGCCGCTTCTGGTTCAATTCTGAGTCCTTCTCCCTTTTGCC-3'

ClinVar aggregate classification (germline): Pathogenic (1 of 4 stars; one submission).

Conditions:
Congenital muscular hypertrophy-cerebral syndrome (CDLS2). Also called: SMC1A-Related Cornelia de Lange Syndrome; Cornelia de Lange syndrome 2. Identifiers: Orphanet 199, MedGen C1802395, MONDO:0010370, OMIM 300590.

Submission:

Labcorp Genetics (formerly Invitae), Labcorp
Classification: Pathogenic for Congenital muscular hypertrophy-cerebral syndrome. Last evaluated: 2024-08-06. Review status: criteria provided, single submitter. Criteria: Invitae Variant Classification Sherloc (09022015). Collection method: clinical testing. Allele origin: germline.
Comment: This sequence change creates a premature translational stop signal (p.Glu303*) in the SMC1A gene. It is expected to result in an absent or disrupted protein product. Loss-of-function variants in SMC1A are known to be pathogenic (PMID: 26386245, 27334371, 28166369, 28548707, 31334757). This variant is not present in population databases (gnomAD no frequency). This variant has not been reported in the literature in individuals affected with SMC1A-related conditions. For these reasons, this variant has been classified as Pathogenic.

Literature cited by the submitters: PubMed 26386245; PubMed 27334371; PubMed 28166369; PubMed 28548707; PubMed 31334757.